The following is an entry in ClinVar:

ClinVar aggregate classification (germline): Uncertain significance. Review status: criteria provided, multiple submitters, no conflicts (2 of 4 stars). 3 submissions from 3 submitters: Uncertain significance (3). Last evaluated 2025-04-20.

Conditions:
Inborn genetic diseases. Identifiers: MedGen C0950123, MeSH D030342.
Cranioectodermal dysplasia 1 (CED1). Also called: LEVIN SYNDROME I. Identifiers: Orphanet 1515, MedGen C0432235, MONDO:0021093, OMIM 218330.

Allele frequency attached by ClinVar (database versions not stated): gnomAD exomes 0.00001; TOPMed 0.00004; ExAC 0.00007.

Submissions (3):

Ambry Genetics
Classification: Uncertain significance for Inborn genetic diseases. Last evaluated: 2025-04-20. Review status: criteria provided, single submitter. Criteria: Ambry Variant Classification Scheme 2023. Collection method: clinical testing. Allele origin: germline.

Fulgent Genetics
Classification: Uncertain significance for Cranioectodermal dysplasia 1. Last evaluated: 2024-04-19. Review status: criteria provided, single submitter. Criteria: ACMG Guidelines, 2015. Collection method: clinical testing. Allele origin: germline.

Labcorp Genetics (formerly Invitae), Labcorp
Classification: Uncertain significance for Cranioectodermal dysplasia 1. Last evaluated: 2022-06-23. Review status: criteria provided, single submitter. Criteria: Invitae Variant Classification Sherloc (09022015). Collection method: clinical testing. Allele origin: germline.
Comment: In summary, the available evidence is currently insufficient to determine the role of this variant in disease. Therefore, it has been classified as a Variant of Uncertain Significance. Algorithms developed to predict the effect of missense changes on protein structure and function are either unavailable or do not agree on the potential impact of this missense change (SIFT: "Deleterious"; PolyPhen-2: "Possibly Damaging"; Align-GVGD: "Class C0"). This variant has not been reported in the literature in individuals affected with IFT122-related conditions. This variant is present in population databases (rs767208488, gnomAD 0.08%). This sequence change replaces serine, which is neutral and polar, with phenylalanine, which is neutral and non-polar, at codon 151 of the IFT122 protein (p.Ser151Phe).

NM_052989.3(IFT122):c.299C>T (p.Ser100Phe)

Gene: IFT122 (intraflagellar transport 122; plus strand). Cytogenetic location: 3q21.3.
Variant type: single nucleotide variant.
Coding change: c.299C>T on transcript NM_052989.3 (MANE Select); coding-DNA position 299, C replaced by T.
Protein change: p.Ser100Phe; replaces serine 100 with phenylalanine.
Molecular consequence: missense variant. On other transcripts: 5 prime UTR variant (2), intron variant (1).
Genome position (GRCh38, 1-based): chr3:129,461,254, C>T. VCF-style: chr3-129461254-C-T. GRCh37 (hg19) VCF-style: chr3-129180097-C-T.
Other names: c.452C>T (NM_052985.2); c.452C>T, p.Ser151Phe (NM_001280541.2, NM_052985.4); c.-152C>T (NM_001280545.2, NM_001280546.2); c.299C>T, p.Ser100Phe (NM_001410808.1, NM_001410809.1, NM_001410810.1 and 3 more transcripts); c.194-2306C>T (NM_052990.3); short protein forms S100F, S151F.
Identifiers: ClinVar variation 2179947 (VCV002179947.6), dbSNP rs767208488, ClinGen allele CA2605830.